The following is an entry in ClinVar:

NM_018263.6(ASXL2):c.2838C>T (p.Ile946=)

Gene: ASXL2 (ASXL transcriptional regulator 2; minus strand). Cytogenetic location: 2p23.3.
Variant type: single nucleotide variant.
Coding change: c.2838C>T on transcript NM_018263.6 (MANE Select); coding-DNA position 2838, C replaced by T.
Protein change: p.Ile946=; no amino-acid change (isoleucine 946 retained).
Molecular consequence: synonymous variant.
Genome position (GRCh38, 1-based): chr2:25,743,499, G>A on the plus strand (C>T on the coding strand, the complement: ASXL2 is on the minus strand). VCF-style: chr2-25743499-G-A. GRCh37 (hg19) VCF-style: chr2-25966368-G-A.
Other names: c.2664C>T, p.Ile888= (NM_001369346.1); c.2058C>T, p.Ile686= (NM_001369347.1); c.2838C>T (NM_018263.4).
Identifiers: ClinVar variation 2044003 (VCV002044003.13), dbSNP rs368969988, ClinGen allele CA1557571.

ClinVar aggregate classification (germline): Likely benign. Review status: criteria provided, multiple submitters, no conflicts (2 of 4 stars). 3 submissions from 3 submitters: Likely benign (2). 1 of the submissions does not count toward it. Last evaluated 2025-06-10.

Conditions:
ASXL2-related disorder. Also called: ASXL2-related condition.

Allele frequency attached by ClinVar (database versions not stated): ESP Exome Variant Server 0.00017.
gnomAD v4.1: 255 of 1,613,802 alleles (0.016%); highest among the groups gnomAD compares: Non-Finnish European, 0.021%; no homozygotes.

Submissions (3):

Labcorp Genetics (formerly Invitae), Labcorp
Classification: Likely benign. Last evaluated: 2025-06-10. Review status: criteria provided, single submitter. Criteria: Invitae Variant Classification Sherloc (09022015). Collection method: clinical testing. Allele origin: germline.

CeGaT Center for Human Genetics Tuebingen
Classification: Likely benign. Last evaluated: 2025-04-01. Review status: criteria provided, single submitter. Criteria: CeGaT Center For Human Genetics Tuebingen Variant Classification Criteria Version 2. Collection method: clinical testing. Allele origin: germline. Affected: yes. Observed: 1 variant allele.
Comment: ASXL2: BP4, BP7

PreventionGenetics, part of Exact Sciences
Classification: Likely benign for ASXL2-related condition. Last evaluated: 2022-07-12. Review status: no assertion criteria provided. Collection method: clinical testing. Allele origin: germline. Not counted in ClinVar's aggregate classification.
Comment: This variant is classified as likely benign based on ACMG/AMP sequence variant interpretation guidelines (Richards et al. 2015 PMID: 25741868, with internal and published modifications).